The following is an entry in ClinVar:

ClinVar aggregate classification (germline): Uncertain significance (1 of 4 stars; one submission).

Submission:

Dasa
Classification: Uncertain significance. Last evaluated: 2026-04-29. Review status: criteria provided, single submitter. Criteria: DASA Assertion Criteria. Collection method: clinical testing. Allele origin: germline.
Comment: NM_170606.3(KMT2C):c.7333T>C (p.Ser2445Pro) is a missense variant that results in the substitution of serine with proline. This variant is rare in population databases. The currently available literature and clinical evidence are not sufficient to establish a definitive association between this variant and the reported condition. Therefore, this variant is classified as a variant of uncertain significance.

NM_170606.3(KMT2C):c.7333T>C (p.Ser2445Pro)

Gene: KMT2C (lysine methyltransferase 2C; minus strand). Cytogenetic location: 7q36.1.
Variant type: single nucleotide variant.
Coding change: c.7333T>C on transcript NM_170606.3 (MANE Select); coding-DNA position 7333, T replaced by C.
Protein change: p.Ser2445Pro; replaces serine 2445 with proline.
Molecular consequence: missense variant.
Genome position (GRCh38, 1-based): chr7:152,179,943, A>G on the plus strand (T>C on the coding strand, the complement: KMT2C is on the minus strand). VCF-style: chr7-152179943-A-G. GRCh37 (hg19) VCF-style: chr7-151877028-A-G.
Other names: short protein forms S2445P.
Identifiers: ClinVar variation 5020663 (VCV005020663.1).